The following is an entry in ClinVar:

NM_020822.3(KCNT1):c.2860T>C (p.Ser954Pro)

Gene: KCNT1 (potassium sodium-activated channel subfamily T member 1; plus strand). Cytogenetic location: 9q34.3.
Variant type: single nucleotide variant.
Coding change: c.2860T>C on transcript NM_020822.3 (MANE Select); coding-DNA position 2860, T replaced by C.
Protein change: p.Ser954Pro; replaces serine 954 with proline.
Molecular consequence: missense variant.
Genome position (GRCh38, 1-based): chr9:135,784,042, T>C. VCF-style: chr9-135784042-T-C. GRCh37 (hg19) VCF-style: chr9-138675888-T-C.
Other names: c.2725T>C, p.Ser909Pro (NM_001272003.2); short protein forms S909P, S954P.
Identifiers: ClinVar variation 4783514 (VCV004783514.1).

ClinVar aggregate classification (germline): Uncertain significance (1 of 4 stars; one submission).

Conditions:
Autosomal dominant nocturnal frontal lobe epilepsy 5. Also called: CILIARY DYSKINESIA, PRIMARY, 28, WITHOUT SITUS INVERSUS; CILIARY DYSKINESIA, PRIMARY, 28, WITH SITUS INVERSUS; KCNT1-Related Epilepsy; Epilepsy, nocturnal frontal lobe, 5. Identifiers: Orphanet 98784, MedGen C3554306, MONDO:0014002, OMIM 615005.
Developmental and epileptic encephalopathy, 14 (DEE14). Also called: Early infantile epileptic encephalopathy 14. Identifiers: Orphanet 293181, MedGen C3554195, MONDO:0013989, OMIM 614959.

gnomAD v4.1: 1 of 1,606,478 alleles (0.000062%); highest among the groups gnomAD compares: Non-Finnish European, 0.000085%; no homozygotes.

Submission:

Labcorp Genetics (formerly Invitae), Labcorp
Classification: Uncertain significance for Autosomal dominant nocturnal frontal lobe epilepsy 5; Developmental and epileptic encephalopathy, 14. Last evaluated: 2025-05-02. Review status: criteria provided, single submitter. Criteria: Invitae Variant Classification Sherloc (09022015). Collection method: clinical testing. Allele origin: germline.
Comment: This sequence change replaces serine, which is neutral and polar, with proline, which is neutral and non-polar, at codon 954 of the KCNT1 protein (p.Ser954Pro). This variant is not present in population databases (gnomAD no frequency). This variant has not been reported in the literature in individuals affected with KCNT1-related conditions. Invitae Evidence Modeling of protein sequence and biophysical properties (such as structural, functional, and spatial information, amino acid conservation, physicochemical variation, residue mobility, and thermodynamic stability) indicates that this missense variant is expected to disrupt KCNT1 protein function with a positive predictive value of 80%. In summary, the available evidence is currently insufficient to determine the role of this variant in disease. Therefore, it has been classified as a Variant of Uncertain Significance.